The following is an entry in ClinVar:

NM_003072.5(SMARCA4):c.2654G>A (p.Arg885His)

Gene: SMARCA4 (SWI/SNF related BAF chromatin remodeling complex subunit ATPase 4; plus strand). Cytogenetic location: 19p13.2.
Variant type: single nucleotide variant.
Coding change: c.2654G>A on transcript NM_003072.5 (MANE Select); coding-DNA position 2654, G replaced by A.
Protein change: p.Arg885His; replaces arginine 885 with histidine.
Molecular consequence: missense variant. On other transcripts: non-coding transcript variant (1).
Genome position (GRCh38, 1-based): chr19:11,021,762, G>A. VCF-style: chr19-11021762-G-A. GRCh37 (hg19) VCF-style: chr19-11132438-G-A.
Other names: c.2654G>A, p.Arg885His (NM_001128844.3, NM_001128845.2, NM_001128846.2 and 5 more transcripts); short protein forms R885H.
Identifiers: ClinVar variation 420093 (VCV000420093.26), dbSNP rs1064794284, ClinGen allele CA16620730.

ClinVar aggregate classification (germline): Pathogenic. Review status: criteria provided, multiple submitters, no conflicts (2 of 4 stars). 3 submissions from 3 submitters: Pathogenic (3). Last evaluated 2024-05-27.

Conditions:
Rhabdoid tumor predisposition syndrome 2 (RTPS2). Identifiers: Orphanet 231108, Orphanet 69077, MedGen C2750074, MONDO:0013224, OMIM 613325.

Submissions (3):

Labcorp Genetics (formerly Invitae), Labcorp
Classification: Pathogenic for Rhabdoid tumor predisposition syndrome 2. Last evaluated: 2024-05-27. Review status: criteria provided, single submitter. Criteria: Invitae Variant Classification Sherloc (09022015). Collection method: clinical testing. Allele origin: germline.
Comment: This sequence change replaces arginine, which is basic and polar, with histidine, which is basic and polar, at codon 885 of the SMARCA4 protein (p.Arg885His). This variant is not present in population databases (gnomAD no frequency). This missense change has been observed in individual(s) with clinical features of Coffin–Siris syndrome (PMID: 32686290). In at least one individual the variant was observed to be de novo. ClinVar contains an entry for this variant (Variation ID: 420093). Advanced modeling of protein sequence and biophysical properties (such as structural, functional, and spatial information, amino acid conservation, physicochemical variation, residue mobility, and thermodynamic stability) performed at Invitae indicates that this missense variant is expected to disrupt SMARCA4 protein function with a positive predictive value of 95%. For these reasons, this variant has been classified as Pathogenic.

CeGaT Center for Human Genetics Tuebingen
Classification: Pathogenic. Last evaluated: 2024-04-01. Review status: criteria provided, single submitter. Criteria: CeGaT Center For Human Genetics Tuebingen Variant Classification Criteria Version 2. Collection method: clinical testing. Allele origin: germline. Affected: yes. Observed: 1 variant allele.
Comment: SMARCA4: PM2, PM5, PM6, PS4:Moderate, PP2, PP3

GeneDx
Classification: Pathogenic. Last evaluated: 2022-03-30. Review status: criteria provided, single submitter. Criteria: GeneDx Variant Classification Process June 2021. Collection method: clinical testing. Allele origin: germline. Affected: yes.
Comment: Not observed at significant frequency in large population cohorts (gnomAD); In silico analysis supports that this missense variant has a deleterious effect on protein structure/function; This variant is associated with the following publications: (PMID: 25168959, 24700502, 27941795, 24090879, 23637025, 23815551, 32686290, 30986130, 30123105, 24658002, 32303701)

Literature cited by the submitters: PubMed 32686290 (cited by Labcorp Genetics (formerly Invitae), Labcorp).